The following is an entry in ClinVar:

NM_004006.3(DMD):c.4688A>G (p.Lys1563Arg)

Gene: DMD (dystrophin; minus strand). Cytogenetic location: Xp21.1.
Variant type: single nucleotide variant.
Coding change: c.4688A>G on transcript NM_004006.3 (MANE Select); coding-DNA position 4688, A replaced by G.
Protein change: p.Lys1563Arg; replaces lysine 1563 with arginine.
Molecular consequence: missense variant.
Genome position (GRCh38, 1-based): chrX:32,380,667, T>C on the plus strand (A>G on the coding strand, the complement: DMD is on the minus strand). VCF-style: chrX-32380667-T-C. GRCh37 (hg19) VCF-style: chrX-32398784-T-C.
Other names: c.4664A>G, p.Lys1555Arg (NM_000109.4); c.4676A>G, p.Lys1559Arg (NM_004009.3); c.4319A>G, p.Lys1440Arg (NM_004010.3); c.665A>G, p.Lys222Arg (NM_004011.4); c.656A>G, p.Lys219Arg (NM_004012.4); short protein forms K1440R, K1555R, K1559R, K1563R, K219R, K222R.
Identifiers: ClinVar variation 3621209 (VCV003621209.2).

ClinVar aggregate classification (germline): Uncertain significance (1 of 4 stars; one submission).

Conditions:
Duchenne muscular dystrophy (DMD). Also called: MUSCULAR DYSTROPHY, PSEUDOHYPERTROPHIC PROGRESSIVE, DUCHENNE TYPE; Duchenne Muscular Dystrophy (DMD). Identifiers: Orphanet 98896, MedGen C0013264, MONDO:0010679, OMIM 310200.

gnomAD v4.1: 1 of 1,204,481 alleles (0.000083%); highest among the groups gnomAD compares: South Asian, 0.0018%; no homozygotes.

Submission:

Labcorp Genetics (formerly Invitae), Labcorp
Classification: Uncertain significance for Duchenne muscular dystrophy. Last evaluated: 2024-03-19. Review status: criteria provided, single submitter. Criteria: Invitae Variant Classification Sherloc (09022015). Collection method: clinical testing. Allele origin: germline.
Comment: This sequence change replaces lysine, which is basic and polar, with arginine, which is basic and polar, at codon 1563 of the DMD protein (p.Lys1563Arg). This variant is present in population databases (rs766735219, gnomAD 0.005%). This variant has not been reported in the literature in individuals affected with DMD-related conditions. Advanced modeling of protein sequence and biophysical properties (such as structural, functional, and spatial information, amino acid conservation, physicochemical variation, residue mobility, and thermodynamic stability) performed at Invitae indicates that this missense variant is not expected to disrupt DMD protein function with a negative predictive value of 95%. In summary, the available evidence is currently insufficient to determine the role of this variant in disease. Therefore, it has been classified as a Variant of Uncertain Significance.